The following is an entry in ClinVar:

NM_001089.3(ABCA3):c.622C>T (p.Arg208Trp)

Gene: ABCA3 (ATP binding cassette subfamily A member 3; minus strand). Cytogenetic location: 16p13.3.
Variant type: single nucleotide variant.
Coding change: c.622C>T on transcript NM_001089.3 (MANE Select); coding-DNA position 622, C replaced by T.
Protein change: p.Arg208Trp; replaces arginine 208 with tryptophan.
Molecular consequence: missense variant.
Genome position (GRCh38, 1-based): chr16:2,319,832, G>A on the plus strand (C>T on the coding strand, the complement: ABCA3 is on the minus strand). VCF-style: chr16-2319832-G-A. GRCh37 (hg19) VCF-style: chr16-2369833-G-A.
Other names: short protein forms R208W.
Identifiers: ClinVar variation 1520597 (VCV001520597.13), dbSNP rs768483175, ClinGen allele CA501015.

ClinVar aggregate classification (germline): Pathogenic/Likely pathogenic. Review status: criteria provided, multiple submitters, no conflicts (2 of 4 stars). 5 submissions from 5 submitters: Pathogenic (2); Likely pathogenic (3). Last evaluated 2025-10-29.

Conditions:
Interstitial lung disease due to ABCA3 deficiency. Also called: PULMONARY ALVEOLAR PROTEINOSIS, CONGENITAL, 3. Identifiers: Orphanet 440402, MedGen C1970456, MONDO:0012582, OMIM 610921.
Surfactant metabolism dysfunction, pulmonary, 1. Also called: INTERSTITIAL LUNG DISEASE DUE TO SURFACTANT PROTEIN B DEFICIENCY; INTERSTITIAL LUNG DISEASE, NONSPECIFIC, DUE TO SURFACTANT PROTEIN B DEFICIENCY; PULMONARY ALVEOLAR PROTEINOSIS, CONGENITAL, 1; Pulmonary surfactant protein B, deficiency of; Neonatal acute respiratory distress due to SP-B deficiency. Identifiers: Orphanet 217563, MedGen C1968602, MONDO:0009929, OMIM 265120.

Allele frequency attached by ClinVar (database versions not stated): gnomAD 0.00001; gnomAD exomes 0.00001 and 0.00002; TOPMed 0.00002; ExAC 0.00003.
gnomAD v4.1: 24 of 1,613,780 alleles (0.0015%); highest among the groups gnomAD compares: South Asian, 0.0055%; no homozygotes.

Submissions (5):

Otogenetics
Classification: Likely pathogenic for Surfactant metabolism dysfunction, pulmonary, 1. Last evaluated: 2025-10-29. Review status: criteria provided, single submitter. Criteria: ACMG Guidelines, 2015. Collection method: clinical testing. Allele origin: germline.
Comment: PM2: Maximum gnomAD MAF of 0.0094% in European-Finnish (FIN) subpopulation (<0.05% threshold); PM3_Strong: Variant reported in trans with 8 pathogenic variants in 8 individuals affected with pulmonary surfactant metabolism dysfunction (PMID: 18024538, 22068586, 24871971, 27516224); PP3: In-silico models predict deleterious effect (Revel = 0.84, BayesDel = 0.3)

Labcorp Genetics (formerly Invitae), Labcorp
Classification: Pathogenic. Last evaluated: 2024-11-09. Review status: criteria provided, single submitter. Criteria: Invitae Variant Classification Sherloc (09022015). Collection method: clinical testing. Allele origin: germline.
Comment: This sequence change replaces arginine, which is basic and polar, with tryptophan, which is neutral and slightly polar, at codon 208 of the ABCA3 protein (p.Arg208Trp). This variant is present in population databases (rs768483175, gnomAD 0.009%). This missense change has been observed in individual(s) with clinical features of autosomal recessive childhood interstitial lung disease (PMID: 17517255, 18024538, 22068586, 24871971). ClinVar contains an entry for this variant (Variation ID: 1520597). Invitae Evidence Modeling of protein sequence and biophysical properties (such as structural, functional, and spatial information, amino acid conservation, physicochemical variation, residue mobility, and thermodynamic stability) has been performed for this missense variant. However, the output from this modeling did not meet the statistical confidence thresholds required to predict the impact of this variant on ABCA3 protein function. For these reasons, this variant has been classified as Pathogenic.

Fulgent Genetics
Classification: Pathogenic for Interstitial lung disease due to ABCA3 deficiency. Last evaluated: 2024-05-15. Review status: criteria provided, single submitter. Criteria: ACMG Guidelines, 2015. Collection method: clinical testing. Allele origin: germline.

Neuberg Centre For Genomic Medicine, NCGM
Classification: Likely pathogenic for Interstitial lung disease due to ABCA3 deficiency. Last evaluated: 2023-05-20. Review status: criteria provided, single submitter. Criteria: ACMG Guidelines, 2015. Collection method: clinical testing. Allele origin: germline. Inheritance: Autosomal recessive inheritance. Affected: yes.
Comment: The missense c.622C>T (p.Arg208Trp) variant in the ABCA3 gene has been observed in individuals with clinical features of autosomal recessive childhood interstitial lung disease (Kröner, Carolin et al.,2017). This variant is reported with the allele frequency (0.002%) in the gnomAD Exomes. The amino acid Arginine at position 208 is changed to a Trptophan changing protein sequence and it might alter its composition and physico-chemical properties. It is submitted to ClinVar as Likely Pathogenic. Multiple lines of computational evidence (Polyphen - Damaging, SIFT – Damaging and MutationTaster - Disease causing) predict a damaging effect on protein structure and function for this variant. The amino acid change p.Arg208Trp in ABCA3 is predicted as conserved by GERP++ and PhyloP across 100 vertebrates. Functional studies are required to prove the pathogenicity of the variant. For these reasons, this variant has been classified as Likely Pathogenic.

Juno Genomics, Hangzhou Juno Genomics, Inc
Classification: Likely pathogenic for Interstitial lung disease due to ABCA3 deficiency. Review status: criteria provided, single submitter. Criteria: ACMG Guidelines, 2015. Collection method: clinical testing. Allele origin: germline.
Comment: Absent from controls (or at extremely low frequency if recessive) in Genome Aggregation Database.;Multiple lines of computational evidence support a deleterious effect on the gene or gene product.;For recessive disorders, detected in trans with a pathogenic variant.;Patient's phenotype or family history is highly specific for a disease with a single genetic etiology.

Literature cited by the submitters: PubMed 18024538 (cited by Otogenetics and Labcorp Genetics (formerly Invitae), Labcorp); PubMed 22068586 (cited by Otogenetics and Labcorp Genetics (formerly Invitae), Labcorp); PubMed 24871971 (cited by Otogenetics and Labcorp Genetics (formerly Invitae), Labcorp); PubMed 27516224 (cited by Otogenetics); PubMed 17517255 (cited by Labcorp Genetics (formerly Invitae), Labcorp).